The following is an entry in ClinVar:

NC_000012.12:g.121641540G>A

Gene: ORAI1 (ORAI calcium release-activated calcium modulator 1; plus strand). Cytogenetic location: 12q24.31.
Variant type: single nucleotide variant.
Genome position: GRCh38 VCF-style: chr12-121641540-G-A. GRCh37 (hg19) VCF-style: chr12-122079446-G-A.
Other names: c.803G>A, p.Arg268Gln (NM_032790.4); short protein forms R268Q.
Identifiers: ClinVar variation 1941606 (VCV001941606.5), dbSNP rs1555324161, ClinGen allele CA386984566.

ClinVar aggregate classification (germline): Uncertain significance (1 of 4 stars; one submission).

Conditions:
Combined immunodeficiency due to ORAI1 deficiency. Also called: IMMUNODEFICIENCY 9. Identifiers: Orphanet 169090, Orphanet 317428, MedGen C2748568, MONDO:0013007, OMIM 612782.
Myopathy, tubular aggregate, 2 (TAM2). Identifiers: MedGen C4014557, MONDO:0014383, OMIM 615883.

Allele frequency attached by ClinVar (database versions not stated): gnomAD exomes below 0.00001; TOPMed 0.00001.

Submission:

Labcorp Genetics (formerly Invitae), Labcorp
Classification: Uncertain significance for Myopathy, tubular aggregate, 2; Combined immunodeficiency due to ORAI1 deficiency. Last evaluated: 2023-09-19. Review status: criteria provided, single submitter. Criteria: Invitae Variant Classification Sherloc (09022015). Collection method: clinical testing. Allele origin: germline.
Comment: In summary, the available evidence is currently insufficient to determine the role of this variant in disease. Therefore, it has been classified as a Variant of Uncertain Significance. Experimental studies and prediction algorithms are not available or were not evaluated, and the functional significance of this variant is currently unknown. ClinVar contains an entry for this variant (Variation ID: 1941606). This variant has not been reported in the literature in individuals affected with ORAI1-related conditions. The frequency data for this variant in the population databases is considered unreliable, as metrics indicate poor data quality at this position in the gnomAD database. This sequence change replaces arginine, which is basic and polar, with glutamine, which is neutral and polar, at codon 268 of the ORAI1 protein (p.Arg268Gln).